The following is an entry in ClinVar:

ClinVar aggregate classification (germline): Likely benign (1 of 4 stars; one submission).

Conditions:
FTL-related disorder. Also called: FTL-related condition.

gnomAD v4.1: 17 of 453,282 alleles (0.0038%); highest among the groups gnomAD compares: East Asian, 0.042%; no homozygotes.

Submission:

PreventionGenetics, part of Exact Sciences
Classification: Likely benign for FTL-related condition. Last evaluated: 2025-09-03. Review status: criteria provided, single submitter. Criteria: ACMG Guidelines, 2015. Collection method: clinical testing. Allele origin: germline.
Comment: This variant is classified as likely benign based on ACMG/AMP sequence variant interpretation guidelines (Richards et al. 2015 PMID: 25741868, with internal and published modifications).

NC_000019.10:g.48968167G>A

Genes: FTL (ferritin light chain; plus strand), GYS1 (glycogen synthase 1; minus strand). Cytogenetic location: 19q13.33.
Variant type: single nucleotide variant.
Molecular consequence: 3 prime UTR variant (on NM_002103.5). On other transcripts: non-coding transcript variant (1).
Genome position: GRCh38 VCF-style: chr19-48968167-G-A. GRCh37 (hg19) VCF-style: chr19-49471424-G-A.
Other names: c.*1121C>T (NM_001161587.2, NM_002103.5).
Identifiers: ClinVar variation 4986309 (VCV004986309.1).